The following is an entry in ClinVar:

ClinVar aggregate classification (germline): Likely benign (1 of 4 stars; one submission).

Submission:

GeneDx
Classification: Likely benign. Last evaluated: 2018-02-27. Review status: criteria provided, single submitter. Criteria: GeneDx Variant Classification (06012015). Collection method: clinical testing. Allele origin: germline. Affected: yes.
Comment: This variant is considered likely benign or benign based on one or more of the following criteria: it is a conservative change, it occurs at a poorly conserved position in the protein, it is predicted to be benign by multiple in silico algorithms, and/or has population frequency not consistent with disease.

NM_001267550.2(TTN):c.30081C>T (p.Ile10027=)

Gene: TTN (titin; minus strand). Cytogenetic location: 2q31.2.
Variant type: single nucleotide variant.
Coding change: c.30081C>T on transcript NM_001267550.2 (MANE Select); coding-DNA position 30081, C replaced by T.
Protein change: p.Ile10027=; no amino-acid change (isoleucine 10027 retained).
Molecular consequence: synonymous variant. On other transcripts: intron variant (3).
Genome position (GRCh38, 1-based): chr2:178,704,289, G>A on the plus strand (C>T on the coding strand, the complement: TTN is on the minus strand). VCF-style: chr2-178704289-G-A. GRCh37 (hg19) VCF-style: chr2-179569016-G-A.
Other names: c.29130C>T, p.Ile9710= (NM_001256850.1); c.26349C>T, p.Ile8783= (NM_133378.4); c.13282+33793C>T (NM_003319.4); c.13858+33793C>T (NM_133437.4); c.13657+33793C>T (NM_133432.3).
Identifiers: ClinVar variation 515811 (VCV000515811.1), dbSNP rs1553877658, ClinGen allele CA430279030.